The following is an entry in ClinVar:

ClinVar aggregate classification (germline): Uncertain significance (1 of 4 stars; one submission).

Conditions:
Spastic paraplegia. Identifiers: MedGen C0037772, HP:0001258.

Allele frequency attached by ClinVar (database versions not stated): ExAC 0.00001.

Submission:

Labcorp Genetics (formerly Invitae), Labcorp
Classification: Uncertain significance for Spastic paraplegia. Last evaluated: 2023-06-17. Review status: criteria provided, single submitter. Criteria: Invitae Variant Classification Sherloc (09022015). Collection method: clinical testing. Allele origin: germline.
Comment: In summary, the available evidence is currently insufficient to determine the role of this variant in disease. Therefore, it has been classified as a Variant of Uncertain Significance. Advanced modeling of protein sequence and biophysical properties (such as structural, functional, and spatial information, amino acid conservation, physicochemical variation, residue mobility, and thermodynamic stability) performed at Invitae indicates that this missense variant is not expected to disrupt KIF5A protein function. This variant has not been reported in the literature in individuals affected with KIF5A-related conditions. This variant is present in population databases (rs745502722, gnomAD 0.0009%). This sequence change replaces lysine, which is basic and polar, with asparagine, which is neutral and polar, at codon 888 of the KIF5A protein (p.Lys888Asn).

NM_004984.4(KIF5A):c.2664G>T (p.Lys888Asn)

Gene: KIF5A (kinesin family member 5A; plus strand). Cytogenetic location: 12q13.3.
Variant type: single nucleotide variant.
Coding change: c.2664G>T on transcript NM_004984.4 (MANE Select); coding-DNA position 2664, G replaced by T.
Protein change: p.Lys888Asn; replaces lysine 888 with asparagine.
Molecular consequence: missense variant.
Genome position (GRCh38, 1-based): chr12:57,581,081, G>T. VCF-style: chr12-57581081-G-T. GRCh37 (hg19) VCF-style: chr12-57974864-G-T.
Other names: c.2397G>T, p.Lys799Asn (NM_001354705.2); short protein forms K888N, K799N.
Identifiers: ClinVar variation 2718374 (VCV002718374.3), dbSNP rs745502722, ClinGen allele CA6653169.